The following is an entry in ClinVar:

ClinVar aggregate classification (germline): Uncertain significance. Review status: criteria provided, multiple submitters, no conflicts (2 of 4 stars). 2 submissions from 2 submitters: Uncertain significance (2). Last evaluated 2026-04-01.

gnomAD v4.1: 70 of 1,613,066 alleles (0.0043%); highest among the groups gnomAD compares: Non-Finnish European, 0.0053%; no homozygotes.

Submissions (2):

CeGaT Center for Human Genetics Tuebingen
Classification: Uncertain significance. Last evaluated: 2026-04-01. Review status: criteria provided, single submitter. Criteria: CeGaT Center For Human Genetics Tuebingen Variant Classification Criteria Version 2. Collection method: clinical testing. Allele origin: germline. Affected: yes. Observed: 1 variant allele.
Comment: PCDH15: PM2, PP3

Blueprint Genetics
Classification: Uncertain significance. Last evaluated: 2019-07-31. Review status: criteria provided, single submitter. Criteria: ACMG Guidelines, 2015. Collection method: clinical testing. Allele origin: germline.

NM_001384140.1(PCDH15):c.2757G>T (p.Met919Ile)

Gene: PCDH15 (protocadherin related 15; minus strand). Cytogenetic location: 10q21.1.
Variant type: single nucleotide variant.
Coding change: c.2757G>T on transcript NM_001384140.1 (MANE Select); coding-DNA position 2757, G replaced by T.
Protein change: p.Met919Ile; replaces methionine 919 with isoleucine.
Molecular consequence: missense variant.
Genome position (GRCh38, 1-based): chr10:53,995,760, C>A on the plus strand (G>T on the coding strand, the complement: PCDH15 is on the minus strand). VCF-style: chr10-53995760-C-A. GRCh37 (hg19) VCF-style: chr10-55755520-C-A.
Other names: c.2757G>T, p.Met919Ile (NM_001354429.2, NM_001354430.2, NM_033056.4 and 5 more transcripts); c.2772G>T, p.Met924Ile (NM_001142763.2, NM_001142771.2); c.2544G>T, p.Met848Ile (NM_001142765.2); c.2646G>T, p.Met882Ile (NM_001142767.2); c.2691G>T, p.Met897Ile (NM_001142768.2, NM_001142773.2, NM_001354404.2); c.2793G>T, p.Met931Ile (NM_001142769.4); c.2778G>T, p.Met926Ile (NM_001354411.2); short protein forms M848I, M882I, M897I, M919I, M924I, M926I, M931I.
Identifiers: ClinVar variation 4873729 (VCV004873729.3).